The following is an entry in ClinVar:

NM_002834.5(PTPN11):c.418A>T (p.Ser140Cys)

Gene: PTPN11 (protein tyrosine phosphatase non-receptor type 11; plus strand). Cytogenetic location: 12q24.13.
Variant type: single nucleotide variant.
Coding change: c.418A>T on transcript NM_002834.5 (MANE Select); coding-DNA position 418, A replaced by T.
Protein change: p.Ser140Cys; replaces serine 140 with cysteine.
Molecular consequence: missense variant.
Genome position (GRCh38, 1-based): chr12:112,453,280, A>T. VCF-style: chr12-112453280-A-T. GRCh37 (hg19) VCF-style: chr12-112891084-A-T.
Other names: c.418A>T, p.Ser140Cys (NM_001330437.2, NM_080601.3); c.415A>T, p.Ser139Cys (NM_001374625.1); short protein forms S140C, S139C.
Identifiers: ClinVar variation 409673 (VCV000409673.8), dbSNP rs1060502527, ClinGen allele CA16613668.

ClinVar aggregate classification (germline): Uncertain significance (1 of 4 stars; one submission).

Conditions:
RASopathy. Also called: rasopathies; Noonan spectrum disorder. Identifiers: Orphanet 536391, MedGen C5555857, MONDO:0021060.

Allele frequency attached by ClinVar (database versions not stated): gnomAD exomes below 0.00001.
gnomAD v4.1: 1 of 1,613,880 alleles (0.000062%); highest among the groups gnomAD compares: Non-Finnish European, 0.000085%; no homozygotes.

Submission:

Labcorp Genetics (formerly Invitae), Labcorp
Classification: Uncertain significance for RASopathy. Last evaluated: 2020-09-01. Review status: criteria provided, single submitter. Criteria: Invitae Variant Classification Sherloc (09022015). Collection method: clinical testing. Allele origin: germline.
Comment: This variant has not been reported in the literature in individuals with PTPN11-related conditions. ClinVar contains an entry for this variant (Variation ID: 409673). In summary, this variant is a novel missense change with uncertain impact on protein function. It has been classified as a Variant of Uncertain Significance. Algorithms developed to predict the effect of missense changes on protein structure and function do not agree on the potential impact of this missense change (SIFT: "Deleterious"; PolyPhen-2: "Probably Damaging"; Align-GVGD: "Class C0"). This variant is not present in population databases (ExAC no frequency). This sequence change replaces serine with cysteine at codon 140 of the PTPN11 protein (p.Ser140Cys). The serine residue is highly conserved and there is a moderate physicochemical difference between serine and cysteine.